The following is an entry in ClinVar:

NM_001035.3(RYR2):c.10108T>C (p.Tyr3370His)

Gene: RYR2 (ryanodine receptor 2; plus strand). Cytogenetic location: 1q43.
Variant type: single nucleotide variant.
Coding change: c.10108T>C on transcript NM_001035.3 (MANE Select); coding-DNA position 10108, T replaced by C.
Protein change: p.Tyr3370His; replaces tyrosine 3370 with histidine.
Molecular consequence: missense variant.
Genome position (GRCh38, 1-based): chr1:237,709,064, T>C. VCF-style: chr1-237709064-T-C. GRCh37 (hg19) VCF-style: chr1-237872364-T-C.
Other names: short protein forms Y3370H.
Identifiers: ClinVar variation 4074503 (VCV004074503.1).
Genomic context (GRCh38, chr1:237,709,064, plus strand): 5'-GAGGCAGAACTCCTCATCCTAGATGAGTTCACCACACTGGCCAGAGATCTCTATGCCTTC[T>C]ACCCTCTCTTGATTAGATTTGTGGACTATAACAGGTATGATCAAAAGTAATTTAGTAATT-3'
Protein context (NP_001026.2, residues 3360-3380): TTLARDLYAF[Tyr3370His]PLLIRFVDYN

ClinVar aggregate classification (germline): Uncertain significance (1 of 4 stars; one submission).

Submission:

GeneDx
Classification: Uncertain significance. Last evaluated: 2025-02-10. Review status: criteria provided, single submitter. Criteria: GeneDx Variant Classification Process June 2021. Collection method: clinical testing. Allele origin: germline. Affected: yes.
Comment: Not observed at significant frequency in large population cohorts (gnomAD); In silico analysis supports that this missense variant has a deleterious effect on protein structure/function; Not located in one of the three hot-spot regions of the RYR2 gene, where the majority of pathogenic missense variants occur (PMID: 19926015); Has not been previously published as pathogenic or benign to our knowledge; This variant is associated with the following publications: (PMID: 19926015)